The following is an entry in ClinVar:

NM_018671.5(UNC45A):c.443C>T (p.Ser148Leu)

Gene: UNC45A (unc-45 myosin chaperone A; plus strand). Cytogenetic location: 15q26.1.
Variant type: single nucleotide variant.
Coding change: c.443C>T on transcript NM_018671.5 (MANE Select); coding-DNA position 443, C replaced by T.
Protein change: p.Ser148Leu; replaces serine 148 with leucine.
Molecular consequence: missense variant.
Genome position (GRCh38, 1-based): chr15:90,939,747, C>T. VCF-style: chr15-90939747-C-T. GRCh37 (hg19) VCF-style: chr15-91482977-C-T.
Other names: c.398C>T, p.Ser133Leu (NM_001039675.2, NM_001323621.2); c.443C>T, p.Ser148Leu (NM_001323619.1); c.8C>T, p.Ser3Leu (NM_001323620.2); short protein forms S133L, S148L, S3L.
Identifiers: ClinVar variation 1407095 (VCV001407095.6), dbSNP rs200736586, ClinGen allele CA7742544.

ClinVar aggregate classification (germline): Uncertain significance (1 of 4 stars; one submission).

Allele frequency attached by ClinVar (database versions not stated): ExAC 0.00003; gnomAD exomes 0.00003; gnomAD 0.00004; TOPMed 0.00006; ESP Exome Variant Server 0.00008.
gnomAD v4.1: 46 of 1,614,032 alleles (0.0029%); highest among the groups gnomAD compares: African/African-American, 0.017%; no homozygotes.

Submission:

Labcorp Genetics (formerly Invitae), Labcorp
Classification: Uncertain significance. Last evaluated: 2025-10-07. Review status: criteria provided, single submitter. Criteria: Invitae Variant Classification Sherloc (09022015). Collection method: clinical testing. Allele origin: germline.
Comment: This sequence change replaces serine, which is neutral and polar, with leucine, which is neutral and non-polar, at codon 148 of the UNC45A protein (p.Ser148Leu). This variant is present in population databases (rs200736586, gnomAD 0.02%). This variant has not been reported in the literature in individuals affected with UNC45A-related conditions. ClinVar contains an entry for this variant (Variation ID: 1407095). Invitae Evidence Modeling of protein sequence and biophysical properties (such as structural, functional, and spatial information, amino acid conservation, physicochemical variation, residue mobility, and thermodynamic stability) indicates that this missense variant is expected to disrupt UNC45A protein function with a positive predictive value of 80%. In summary, the available evidence is currently insufficient to determine the role of this variant in disease. Therefore, it has been classified as a Variant of Uncertain Significance.